The following is an entry in ClinVar:

NC_012920.1(MT-ND4):m.12063C>T

Gene: MT-ND4 (mitochondrially encoded NADH dehydrogenase 4; plus strand).
Variant type: single nucleotide variant.
Genome position: chrM-12063-C-T.
Identifiers: ClinVar variation 693407 (VCV000693407.2), dbSNP rs1603223527, ClinGen allele CA414812329.

ClinVar aggregate classification (germline): Benign/Likely benign. Review status: criteria provided, multiple submitters, no conflicts (2 of 4 stars). 2 submissions from 2 submitters: Benign (1); Likely benign (1). Last evaluated 2019-10-17.

Conditions:
Leigh syndrome (NULS). Also called: LEIGH SYNDROME, NUCLEAR; Leigh Disease; Subacute necrotizing encephalopathy; Necrotizing encephalopathy infantile subacute of Leigh; Leigh's syndrome; Leigh's necrotizing encephalopathy. Identifiers: Orphanet 506, MedGen C2931891, MONDO:0009723, OMIM 256000.
Intellectual disability. Also called: intellectual disabilities; Intellectual functioning disability; Intellectual developmental disorder. Identifiers: MedGen C3714756, MeSH D008607, MONDO:0001071, HP:0001249.

Submissions (2):

Wong Mito Lab, Molecular and Human Genetics, Baylor College of Medicine
Classification: Benign for Leigh syndrome. Last evaluated: 2019-10-17. Review status: criteria provided, single submitter. Criteria: Modified ACMG Guidelines (Unpublished). Collection method: clinical testing. Allele origin: germline.
Comment: The NC_012920.1:m.12063C>T (YP_003024035.1:p.Thr435Ile) variant in MTND4 gene is interpretated to be a Benign variant based on the modified ACMG guidelines (unpublished). This variant meets the following evidence codes: BS1, BS2, BP4

Cambridge Genomics Laboratory, East Genomic Laboratory Hub, NHS Genomic Medicine Service
Classification: Likely benign for Intellectual disability. Last evaluated: 2019-05-16. Review status: criteria provided, single submitter. Criteria: ACGS Best Practice Guidelines for Variant Classification in Rare Disease 2020. Collection method: clinical testing. Allele origin: germline. Affected: yes. Observed: 1 variant allele.